The following is an entry in ClinVar:

NM_003361.4(UMOD):c.378T>G (p.Cys126Trp)

Gene: UMOD (uromodulin; minus strand). Cytogenetic location: 16p12.3.
Variant type: single nucleotide variant.
Coding change: c.378T>G on transcript NM_003361.4 (MANE Select); coding-DNA position 378, T replaced by G.
Protein change: p.Cys126Trp; replaces cysteine 126 with tryptophan.
Molecular consequence: missense variant. On other transcripts: non-coding transcript variant (1).
Genome position (GRCh38, 1-based): chr16:20,348,923, A>C on the plus strand (T>G on the coding strand, the complement: UMOD is on the minus strand). VCF-style: chr16-20348923-A-C. GRCh37 (hg19) VCF-style: chr16-20360245-A-C.
Other names: c.378T>G, p.Cys126Trp (NM_001008389.3, NM_001378232.1, NM_001378233.1 and 3 more transcripts); c.477T>G, p.Cys159Trp (NM_001278614.2); short protein forms C126W, C159W.
Identifiers: ClinVar variation 4075231 (VCV004075231.2).

ClinVar aggregate classification (germline): Likely pathogenic. Review status: criteria provided, multiple submitters, no conflicts (2 of 4 stars). 2 submissions from 2 submitters: Likely pathogenic (2). Last evaluated 2026-06-03.

Conditions:
Renal tubulopathies.
Renal cyst. Also called: Cystic kidney disease; cystic kidneys; Renal cysts. Identifiers: MedGen C3887499, MONDO:0002473, HP:0000107.

Submissions (2):

Genetics Laboratory, Great Ormond Street Hospital NHS Foundation Trust, North Thames Genomic Laboratory Hub
Classification: Likely pathogenic for Renal tubulopathies. Last evaluated: 2026-06-03. Review status: criteria provided, single submitter. Criteria: ACGS Best Practice Guidelines for Variant Classification in Rare Disease 2024 v1.2. Collection method: clinical testing. Allele origin: germline. Affected: yes.
Comment: PM2_moderate, PP3_supporting, PS1_moderate, PP4_supporting

Cambridge Genomics Laboratory, East Genomic Laboratory Hub, NHS Genomic Medicine Service
Classification: Likely pathogenic for Renal cyst. Last evaluated: 2020-01-06. Review status: criteria provided, single submitter. Criteria: ACGS Best Practice Guidelines for Variant Classification in Rare Disease 2020. Collection method: clinical testing. Allele origin: germline. Affected: yes. Observed: 1 variant allele.